The following is an entry in ClinVar:

NM_001010892.3(RSPH4A):c.1213G>T (p.Glu405Ter)

Gene: RSPH4A (radial spoke head component 4A; plus strand). Cytogenetic location: 6q22.1.
Variant type: single nucleotide variant.
Coding change: c.1213G>T on transcript NM_001010892.3 (MANE Select); coding-DNA position 1213, G replaced by T.
Protein change: p.Glu405Ter; replaces glutamic acid 405 with a stop codon.
Molecular consequence: nonsense.
Genome position (GRCh38, 1-based): chr6:116,627,920, G>T. VCF-style: chr6-116627920-G-T. GRCh37 (hg19) VCF-style: chr6-116949083-G-T.
Other names: c.1213G>T, p.Glu405Ter (NM_001161664.2); short protein forms E405*.
Identifiers: ClinVar variation 3382688 (VCV003382688.2).

ClinVar aggregate classification (germline): Likely pathogenic (1 of 4 stars; one submission).

Conditions:
Primary ciliary dyskinesia 11. Also called: CILIARY DYSKINESIA, PRIMARY, 11, WITHOUT SITUS INVERSUS. Identifiers: Orphanet 244, MedGen C2675229, MONDO:0012978, OMIM 612649.

Submission:

Juno Genomics, Hangzhou Juno Genomics, Inc
Classification: Likely pathogenic for Primary ciliary dyskinesia 11. Review status: criteria provided, single submitter. Criteria: ACMG Guidelines, 2015. Collection method: clinical testing. Allele origin: germline. Affected: yes.
Comment: Absent from controls (or at extremely low frequency if recessive) in Genome Aggregation Database, Exome Sequencing Project, 1000 Genomes Project, or Exome Aggregation Consortium.;Null variant in a gene where loss of function (LOF) is a known mechanism of disease.